The following is an entry in ClinVar:

NM_004273.5(CHST3):c.1052C>A (p.Ser351Tyr)

Gene: CHST3 (carbohydrate sulfotransferase 3; plus strand). Cytogenetic location: 10q22.1.
Variant type: single nucleotide variant.
Coding change: c.1052C>A on transcript NM_004273.5 (MANE Select); coding-DNA position 1052, C replaced by A.
Protein change: p.Ser351Tyr; replaces serine 351 with tyrosine.
Molecular consequence: missense variant.
Genome position (GRCh38, 1-based): chr10:72,008,083, C>A. VCF-style: chr10-72008083-C-A. GRCh37 (hg19) VCF-style: chr10-73767841-C-A.
Other names: c.1052C>A (NM_004273.4); short protein forms S351Y.
Identifiers: ClinVar variation 800529 (VCV000800529.4), dbSNP rs1057520111, ClinGen allele CA377150484.

ClinVar aggregate classification (germline): Uncertain significance. Review status: criteria provided, multiple submitters, no conflicts (2 of 4 stars). 4 submissions from 4 submitters: Uncertain significance (4). Last evaluated 2025-09-29.

Conditions:
Spondyloepiphyseal dysplasia with congenital joint dislocations (SEDCJD). Also called: Chondrodysplasia with Congenital Joint Dislocations, CHST3-Related. Identifiers: Orphanet 263463, MedGen C1837657, MONDO:0007738, OMIM 143095.
Inborn genetic diseases. Identifiers: MedGen C0950123, MeSH D030342.

Submissions (4):

3billion
Classification: Uncertain significance for Spondyloepiphyseal dysplasia with congenital joint dislocations. Last evaluated: 2025-09-29. Review status: criteria provided, single submitter. Criteria: ACMG Guidelines, 2015. Collection method: clinical testing. Allele origin: germline. Affected: yes.
Comment: The variant is not observed in the gnomAD v4.1.0 dataset. Predicted Consequence/Location: Missense variant In silico tool predictions suggest damaging effect of the variant on gene or gene product [REVEL: 0.78 (>=0.6, sensitivity 0.68 and specificity 0.92); 3Cnet: 0.99 (> 0.75, sensitivity 0.96 and precision 0.92)]. A different missense change at the same codon (p.Ser351Phe) has been reported to be associated with CHST3-related disorder (ClinVar ID: VCV000377035). However the evidence of pathogenicity is insufficient at this time. Therefore, this variant is classified as VUS according to the recommendation of ACMG/AMP guideline.

Ambry Genetics
Classification: Uncertain significance for Inborn genetic diseases. Last evaluated: 2025-08-09. Review status: criteria provided, single submitter. Criteria: Ambry Variant Classification Scheme 2023. Collection method: clinical testing. Allele origin: germline.

GeneDx
Classification: Uncertain significance. Last evaluated: 2025-03-11. Review status: criteria provided, single submitter. Criteria: GeneDx Variant Classification Process June 2021. Collection method: clinical testing. Allele origin: germline. Affected: yes.
Comment: Not observed at significant frequency in large population cohorts (gnomAD); In silico analysis indicates that this missense variant does not alter protein structure/function; Has not been previously published as pathogenic or benign to our knowledge

Broad Center for Mendelian Genomics, Broad Institute of MIT and Harvard
Classification: Uncertain significance for Spondyloepiphyseal dysplasia with congenital joint dislocations. Last evaluated: 2018-11-15. Review status: criteria provided, single submitter. Criteria: ACMG Guidelines, 2015. Collection method: research. Allele origin: germline. Inheritance: Autosomal recessive inheritance. Affected: yes.
Comment: This variant was absent from large population studies. Computational prediction tools and conservation analyses suggest that this variant may impact the protein, though this information is not predictive enough to determine pathogenicity. An additional variant at the same position, p.Ser351Phe), has been reported in ClinVar as without any disease association, slightly supporting that a change at this position may not be tolerated (ClinVar ID: 377035). In summary, while there is some suspicion for a pathogenic role, the clinical significance of the p.Ser351Tyr variant is uncertain.